The following is an entry in ClinVar:

ClinVar aggregate classification (germline): Pathogenic (1 of 4 stars; one submission).

Submission:

GeneDx
Classification: Pathogenic. Last evaluated: 2017-02-20. Review status: criteria provided, single submitter. Criteria: GeneDx Variant Classification (06012015). Collection method: clinical testing. Allele origin: germline. Affected: yes.
Comment: The c.1414delG variant in the GATAD2B gene has not been reported previously as a pathogenic variant nor as a benign variant, to our knowledge. The 1414delG variant causes a frameshift starting with codon Glutamic acid 472, changes this amino acid to an Asparagine residue, and creates a premature Stop codon at position 32 of the new reading frame, denoted p.E472NfsX32. This variant is predicted to cause loss of normal protein function either through protein truncation or nonsense-mediated mRNA decay. The 1414delG variant is not observed in large population cohorts (Lek et al., 2016; 1000 Genomes Consortium et al., 2015; Exome Variant Server). We interpret c.1414delG as a pathogenic variant

NM_020699.4(GATAD2B):c.1414del (p.Glu472fs)

Gene: GATAD2B (GATA zinc finger domain containing 2B; minus strand). Cytogenetic location: 1q21.3.
Variant type: Deletion.
Coding change: c.1414del on transcript NM_020699.4 (MANE Select); coding-DNA position 1414, one base deleted (G; older notation c.1414delG).
Protein change: p.Glu472fs; shifts the reading frame from glutamic acid 472.
Molecular consequence: frameshift variant.
Genome position (GRCh38, 1-based): chr1:153,813,255, C deleted on the plus strand (G on the coding strand, the reverse complement: GATAD2B is on the minus strand); the first of 2 consecutive C bases (chr1:153,813,255-153,813,256); deleting either gives the same sequence. VCF-style (leftmost placement, unchanged base first): chr1-153813254-TC-T. GRCh37 (hg19) VCF-style: chr1-153785730-TC-T.
Other names: short protein forms E472fs.
Identifiers: ClinVar variation 423772 (VCV000423772.2), dbSNP rs1064796622, ClinGen allele CA16616977.
Genomic context (GRCh38, chr1:153,813,254, plus strand): 5'-ACCCTTTGGAAAAAACAAACTGGGACAGGTGGCCAGTGAGCAGTCAGAATTCTTACCTGT[TC>T]CTGCTGTAGGGCTTTCACAAATGCATTTTTCAGCCGGTTGGTGTGTTCAGCTTTTAGAGC-3'